The following is an entry in ClinVar:

ClinVar aggregate classification (germline): Uncertain significance (1 of 4 stars; one submission).

Conditions:
Cowden syndrome 6 (CWS6). Identifiers: Orphanet 201, MedGen C3554519, MONDO:0014048, OMIM 615109.

Allele frequency attached by ClinVar (database versions not stated): TOPMed 0.00002.
gnomAD v4.1: 2 of 1,605,416 alleles (0.00012%); highest among the groups gnomAD compares: African/African-American, 0.0013%; no homozygotes.

Submission:

Labcorp Genetics (formerly Invitae), Labcorp
Classification: Uncertain significance for Cowden syndrome 6. Last evaluated: 2022-12-06. Review status: criteria provided, single submitter. Criteria: Invitae Variant Classification Sherloc (09022015). Collection method: clinical testing. Allele origin: germline.
Comment: This sequence change falls in intron 8 of the AKT1 gene. It does not directly change the encoded amino acid sequence of the AKT1 protein. It affects a nucleotide within the consensus splice site. The frequency data for this variant in the population databases is considered unreliable, as metrics indicate poor data quality at this position in the gnomAD database. This variant has not been reported in the literature in individuals affected with AKT1-related conditions. Variants that disrupt the consensus splice site are a relatively common cause of aberrant splicing (PMID: 17576681, 9536098). Algorithms developed to predict the effect of sequence changes on RNA splicing suggest that this variant is not likely to affect RNA splicing. In summary, the available evidence is currently insufficient to determine the role of this variant in disease. Therefore, it has been classified as a Variant of Uncertain Significance.

Literature cited by the submitters: PubMed 17576681; PubMed 9536098.

NM_001382430.1(AKT1):c.702+5G>T

Gene: AKT1 (AKT serine/threonine kinase 1; minus strand). Cytogenetic location: 14q32.33.
Variant type: single nucleotide variant.
Coding change: c.702+5G>T on transcript NM_001382430.1 (MANE Select); 5 bases into the intron after coding-DNA position 702, G replaced by T.
Molecular consequence: intron variant.
Genome position (GRCh38, 1-based): chr14:104,773,907, C>A on the plus strand (G>T on the coding strand, the complement: AKT1 is on the minus strand). VCF-style: chr14-104773907-C-A. GRCh37 (hg19) VCF-style: chr14-105240244-C-A.
Other names: c.702+5G>T (NM_001014431.2, NM_001014432.2, NM_001382433.1 and 3 more transcripts).
Identifiers: ClinVar variation 2727990 (VCV002727990.3), dbSNP rs1011405879, ClinGen allele CA267349460.
Genomic context (GRCh38, chr14:104,773,907, plus strand): 5'-GGACCGGCCCCACCATGGGCGGCCCACAGGCCGCGAAGTCCATCCCCCGCAGCCCCAGCC[C>A]CTACCTCGCCCCCGTTGGCGTACTCCATGACAAAGCAGAGGCGGTCGTGGGTCTGGAAAG-3'